The following is an entry in ClinVar:

NM_006231.4(POLE):c.5075C>T (p.Pro1692Leu)

Gene: POLE (DNA polymerase epsilon, catalytic subunit; minus strand). Cytogenetic location: 12q24.33.
Variant type: single nucleotide variant.
Coding change: c.5075C>T on transcript NM_006231.4 (MANE Select); coding-DNA position 5075, C replaced by T.
Protein change: p.Pro1692Leu; replaces proline 1692 with leucine.
Molecular consequence: missense variant.
Genome position (GRCh38, 1-based): chr12:132,642,275, G>A on the plus strand (C>T on the coding strand, the complement: POLE is on the minus strand). VCF-style: chr12-132642275-G-A. GRCh37 (hg19) VCF-style: chr12-133218861-G-A.
Other names: short protein forms P1692L.
Identifiers: ClinVar variation 1745179 (VCV001745179.4), dbSNP rs2541883861, ClinGen allele CA387377016.

ClinVar aggregate classification (germline): Uncertain significance. Review status: criteria provided, multiple submitters, no conflicts (2 of 4 stars). 2 submissions from 2 submitters: Uncertain significance (2). Last evaluated 2024-07-02.

Conditions:
Hereditary cancer-predisposing syndrome. Also called: Hereditary Cancer Syndrome; Neoplastic Syndromes, Hereditary; Tumor predisposition; Hereditary neoplastic syndrome. Identifiers: Orphanet 140162, MedGen C0027672, MeSH D009386, MONDO:0015356.

Submissions (2):

Labcorp Genetics (formerly Invitae), Labcorp
Classification: Uncertain significance. Last evaluated: 2024-07-02. Review status: criteria provided, single submitter. Criteria: Invitae Variant Classification Sherloc (09022015). Collection method: clinical testing. Allele origin: germline.
Comment: This sequence change replaces proline, which is neutral and non-polar, with leucine, which is neutral and non-polar, at codon 1692 of the POLE protein (p.Pro1692Leu). This variant is not present in population databases (gnomAD no frequency). This variant has not been reported in the literature in individuals affected with POLE-related conditions. ClinVar contains an entry for this variant (Variation ID: 1745179). Advanced modeling of protein sequence and biophysical properties (such as structural, functional, and spatial information, amino acid conservation, physicochemical variation, residue mobility, and thermodynamic stability) performed at Invitae indicates that this missense variant is expected to disrupt POLE protein function with a positive predictive value of 80%. In summary, the available evidence is currently insufficient to determine the role of this variant in disease. Therefore, it has been classified as a Variant of Uncertain Significance.

Ambry Genetics
Classification: Uncertain significance for Hereditary cancer-predisposing syndrome. Last evaluated: 2024-03-12. Review status: criteria provided, single submitter. Criteria: Ambry Variant Classification Scheme 2023. Collection method: clinical testing. Allele origin: germline.
Comment: The p.P1692L variant (also known as c.5075C>T), located in coding exon 38 of the POLE gene, results from a C to T substitution at nucleotide position 5075. The proline at codon 1692 is replaced by leucine, an amino acid with similar properties. This amino acid position is conserved. In addition, this alteration is predicted to be deleterious by in silico analysis. Since supporting evidence is limited at this time, the clinical significance of this alteration remains unclear.